The following is an entry in ClinVar:

NM_000512.5(GALNS):c.1483-2A>C

Gene: GALNS (galactosamine (N-acetyl)-6-sulfatase; minus strand). Cytogenetic location: 16q24.3.
Variant type: single nucleotide variant.
Coding change: c.1483-2A>C on transcript NM_000512.5 (MANE Select); the canonical splice acceptor site of the intron before coding-DNA position 1483, A replaced by C.
Molecular consequence: splice acceptor variant.
Genome position (GRCh38, 1-based): chr16:88,814,527, T>G on the plus strand (A>C on the coding strand, the complement: GALNS is on the minus strand). VCF-style: chr16-88814527-T-G. GRCh37 (hg19) VCF-style: chr16-88880935-T-G.
Other names: c.928-2A>C (NM_001323543.2); c.1501-2A>C (NM_001323544.2).
Identifiers: ClinVar variation 2498327 (VCV002498327.2), dbSNP rs2142967340, ClinGen allele CA397092741.

ClinVar aggregate classification (germline): Likely pathogenic (1 of 4 stars; one submission).

Conditions:
Mucopolysaccharidosis, MPS-IV-A (MPS4A). Also called: MPS IVA; mucopolysaccharidosis type 4A; Morquio syndrome A, mild; MORQUIO SYNDROME A; GALACTOSAMINE-6-SULFATASE DEFICIENCY; GALNS DEFICIENCY. Identifiers: Orphanet 309297, Orphanet 582, MedGen C0086651, MONDO:0009659, OMIM 253000.

Submission:

Foundation for Research in Genetics and Endocrinology, FRIGE's Institute of Human Genetics
Classification: Likely pathogenic for Mucopolysaccharidosis, MPS-IV-A. Last evaluated: 2023-04-13. Review status: criteria provided, single submitter. Criteria: ACMG Guidelines, 2015. Collection method: clinical testing. Allele origin: germline. Inheritance: Autosomal recessive inheritance. Affected: yes. Observed: 1 compound heterozygote.
Comment: A Heterozygous missense variation in intron 14 of the GALNS gene was detected. The observed variant c.1483-2A>C has not been reported in the 1000 genomes and gnomAD databases. The in silico prediction of the variant is disease causing by MutationTaster. The reference codon is conserved across species. In summary, the variant meets our criteria to be classified as likely pathogenic.